The following is an entry in ClinVar:

ClinVar aggregate classification (germline): Uncertain significance (1 of 4 stars; one submission).

Conditions:
Arrhythmogenic right ventricular dysplasia 12. Also called: ARRHYTHMOGENIC RIGHT VENTRICULAR DYSPLASIA, FAMILIAL, 12. Identifiers: MedGen C1969081, MONDO:0012684, OMIM 611528.
Naxos disease (NXD). Also called: KERATOSIS PALMOPLANTARIS WITH ARRHYTHMOGENIC CARDIOMYOPATHY; MAL DE NAXOS; PALMOPLANTAR KERATODERMA WITH ARRHYTHMOGENIC RIGHT VENTRICULAR CARDIOMYOPATHY AND WOOLLY HAIR; WOOLLY HAIR, PALMOPLANTAR KERATODERMA, AND CARDIAC ABNORMALITIES; CARDIOMYOPATHY, ARRHYTHMOGENIC RIGHT VENTRICULAR, WITH SKIN, HAIR, AND NAIL ABNORMALITIES. Identifiers: Orphanet 34217, MedGen C1832600, MONDO:0011017, OMIM 601214.

Allele frequency attached by ClinVar (database versions not stated): gnomAD exomes below 0.00001; ExAC 0.00001.
gnomAD v4.1: 1 of 1,603,224 alleles (0.000062%); highest among the groups gnomAD compares: Non-Finnish European, 0.000085%; no homozygotes.

Submission:

Labcorp Genetics (formerly Invitae), Labcorp
Classification: Uncertain significance for Arrhythmogenic right ventricular dysplasia 12; Naxos disease. Last evaluated: 2023-08-11. Review status: criteria provided, single submitter. Criteria: Invitae Variant Classification Sherloc (09022015). Collection method: clinical testing. Allele origin: germline.
Comment: This variant has not been reported in the literature in individuals affected with JUP-related conditions. An algorithm developed to predict the effect of missense changes on protein structure and function (PolyPhen-2) suggests that this variant is likely to be tolerated. In summary, the available evidence is currently insufficient to determine the role of this variant in disease. Therefore, it has been classified as a Variant of Uncertain Significance. This sequence change replaces glycine, which is neutral and non-polar, with aspartic acid, which is acidic and polar, at codon 545 of the JUP protein (p.Gly545Asp). The frequency data for this variant in the population databases is considered unreliable, as metrics indicate poor data quality at this position in the gnomAD database.

NM_002230.4(JUP):c.1634G>A (p.Gly545Asp)

Gene: JUP (junction plakoglobin; minus strand). Cytogenetic location: 17q21.2.
Variant type: single nucleotide variant.
Coding change: c.1634G>A on transcript NM_002230.4 (MANE Select); coding-DNA position 1634, G replaced by A.
Protein change: p.Gly545Asp; replaces glycine 545 with aspartic acid.
Molecular consequence: missense variant.
Genome position (GRCh38, 1-based): chr17:41,758,734, C>T on the plus strand (G>A on the coding strand, the complement: JUP is on the minus strand). VCF-style: chr17-41758734-C-T. GRCh37 (hg19) VCF-style: chr17-39914986-C-T.
Other names: c.1634G>A, p.Gly545Asp (NM_001352773.2, NM_001352774.2, NM_001352775.2 and 3 more transcripts); short protein forms G545D.
Identifiers: ClinVar variation 2923970 (VCV002923970.3), dbSNP rs782555688, ClinGen allele CA8565176.